The following is an entry in ClinVar:

NM_147196.3(TMIE):c.49G>A (p.Ala17Thr)

Gene: TMIE (transmembrane inner ear; plus strand). Cytogenetic location: 3p21.31.
Variant type: single nucleotide variant.
Coding change: c.49G>A on transcript NM_147196.3 (MANE Select); coding-DNA position 49, G replaced by A.
Protein change: p.Ala17Thr; replaces alanine 17 with threonine.
Molecular consequence: missense variant. On other transcripts: intron variant (2).
Genome position (GRCh38, 1-based): chr3:46,701,536, G>A. VCF-style: chr3-46701536-G-A. GRCh37 (hg19) VCF-style: chr3-46743026-G-A.
Other names: c.-66-4254G>A (NM_001370524.1, NM_001370525.1); short protein forms A17T.
Identifiers: ClinVar variation 2310325 (VCV002310325.4), dbSNP rs908704525, ClinGen allele CA73727425.

ClinVar aggregate classification (germline): Uncertain significance. Review status: criteria provided, multiple submitters, no conflicts (2 of 4 stars). 2 submissions from 2 submitters: Uncertain significance (2). Last evaluated 2025-08-20.

Conditions:
Inborn genetic diseases. Identifiers: MedGen C0950123, MeSH D030342.

Allele frequency attached by ClinVar (database versions not stated): gnomAD 0.00001; TOPMed 0.00001; gnomAD exomes 0.00004.
gnomAD v4.1: 50 of 1,300,572 alleles (0.0038%); highest among the groups gnomAD compares: Non-Finnish European, 0.0046%; no homozygotes.

Submissions (2):

Ambry Genetics
Classification: Uncertain significance for Inborn genetic diseases. Last evaluated: 2025-08-20. Review status: criteria provided, single submitter. Criteria: Ambry Variant Classification Scheme 2023. Collection method: clinical testing. Allele origin: germline.

GeneDx
Classification: Uncertain significance. Last evaluated: 2023-03-27. Review status: criteria provided, single submitter. Criteria: GeneDx Variant Classification Process June 2021. Collection method: clinical testing. Allele origin: germline. Affected: yes.
Comment: Not observed at significant frequency in large population cohorts (gnomAD); In silico analysis supports that this missense variant does not alter protein structure/function; Has not been previously published as pathogenic or benign to our knowledge